The following is an entry in ClinVar:

ClinVar aggregate classification (germline): Uncertain significance (1 of 4 stars; one submission).

Allele frequency attached by ClinVar (database versions not stated): gnomAD exomes below 0.00001.
gnomAD v4.1: 1 of 1,613,272 alleles (0.000062%); highest among the groups gnomAD compares: Non-Finnish European, 0.000085%; no homozygotes.

Submission:

Labcorp Genetics (formerly Invitae), Labcorp
Classification: Uncertain significance. Last evaluated: 2021-10-23. Review status: criteria provided, single submitter. Criteria: Invitae Variant Classification Sherloc (09022015). Collection method: clinical testing. Allele origin: germline.
Comment: This variant is not present in population databases (gnomAD no frequency). This sequence change replaces glutamine, which is neutral and polar, with proline, which is neutral and non-polar, at codon 3396 of the HMCN1 protein (p.Gln3396Pro). This variant has not been reported in the literature in individuals affected with HMCN1-related conditions. Algorithms developed to predict the effect of missense changes on protein structure and function (SIFT, PolyPhen-2, Align-GVGD) all suggest that this variant is likely to be disruptive. In summary, the available evidence is currently insufficient to determine the role of this variant in disease. Therefore, it has been classified as a Variant of Uncertain Significance.

NM_031935.3(HMCN1):c.10187A>C (p.Gln3396Pro)

Gene: HMCN1 (hemicentin 1; plus strand). Cytogenetic location: 1q31.1.
Variant type: single nucleotide variant.
Coding change: c.10187A>C on transcript NM_031935.3 (MANE Select); coding-DNA position 10187, A replaced by C.
Protein change: p.Gln3396Pro; replaces glutamine 3396 with proline.
Molecular consequence: missense variant.
Genome position (GRCh38, 1-based): chr1:186,093,660, A>C. VCF-style: chr1-186093660-A-C. GRCh37 (hg19) VCF-style: chr1-186062792-A-C.
Other names: short protein forms Q3396P.
Identifiers: ClinVar variation 1388849 (VCV001388849.6), dbSNP rs2102418182, ClinGen allele CA343928128.